The following is an entry in ClinVar:

NM_001267550.2(TTN):c.99945C>T (p.Pro33315=)

Genes: TTN (titin; minus strand), TTN-AS1 (TTN antisense RNA 1; plus strand), LOC126806420 (BRD4-independent group 4 enhancer GRCh37_chr2:179401104-179402303; plus strand). Cytogenetic location: 2q31.2.
Variant type: single nucleotide variant.
Coding change: c.99945C>T on transcript NM_001267550.2 (MANE Select); coding-DNA position 99945, C replaced by T.
Protein change: p.Pro33315=; no amino-acid change (proline 33315 retained).
Molecular consequence: synonymous variant.
Genome position (GRCh38, 1-based): chr2:178,537,164, G>A on the plus strand (C>T on the coding strand, the complement: TTN is on the minus strand). VCF-style: chr2-178537164-G-A. GRCh37 (hg19) VCF-style: chr2-179401891-G-A.
Other names: c.95022C>T, p.Pro31674= (NM_001256850.1); c.72750C>T, p.Pro24250= (NM_003319.4); c.92241C>T, p.Pro30747= (NM_133378.4); c.73125C>T, p.Pro24375= (NM_133432.3); c.73326C>T, p.Pro24442= (NM_133437.4).
Identifiers: ClinVar variation 714044 (VCV000714044.13), dbSNP rs751111629, ClinGen allele CA1986104.
Genomic context (GRCh38, chr2:178,537,164, plus strand): 5'-CTCCTTGGCCTCACATTTTTCCACCACATAGTTGGTGATCCAGGAGCCTCCGTCATCTGC[G>A]GGTGGTTTCCAGCTGATCACTGCGGAGTTCTTCAATAGAGCTTCGATCACAATTGGTCCT-3'
Protein context (NP_001254479.2, residues 33305-33325): KNSAVISWKP[Pro33315=]ADDGGSWITN

ClinVar aggregate classification (germline): Likely benign. Review status: criteria provided, multiple submitters, no conflicts (2 of 4 stars). 3 submissions from 3 submitters: Likely benign (3). Last evaluated 2026-06-01.

Conditions:
Cardiovascular phenotype. Identifiers: MedGen CN230736.
Dilated cardiomyopathy 1G (CMD1G). Identifiers: Orphanet 154, MedGen C1858763, MONDO:0011400, OMIM 604145.
Autosomal recessive limb-girdle muscular dystrophy type 2J (LGMDR10). Also called: Limb-girdle muscular dystrophy, type 2J; MUSCULAR DYSTROPHY, LIMB-GIRDLE, AUTOSOMAL RECESSIVE 10. Identifiers: Orphanet 140922, MedGen C1837342, MONDO:0012127, OMIM 608807.

Allele frequency attached by ClinVar (database versions not stated): TOPMed 0.00001; gnomAD 0.00002; gnomAD exomes 0.00002; ExAC 0.00003.
gnomAD v4.1: 24 of 1,613,476 alleles (0.0015%); highest among the groups gnomAD compares: East Asian, 0.02%; no homozygotes.

Submissions (3):

CeGaT Center for Human Genetics Tuebingen
Classification: Likely benign. Last evaluated: 2026-06-01. Review status: criteria provided, single submitter. Criteria: CeGaT Center For Human Genetics Tuebingen Variant Classification Criteria Version 2. Collection method: clinical testing. Allele origin: germline. Affected: yes. Observed: 1 variant allele.
Comment: TTN: BP4, BP7

Labcorp Genetics (formerly Invitae), Labcorp
Classification: Likely benign for Dilated cardiomyopathy 1G; Autosomal recessive limb-girdle muscular dystrophy type 2J. Last evaluated: 2025-09-11. Review status: criteria provided, single submitter. Criteria: Invitae Variant Classification Sherloc (09022015). Collection method: clinical testing. Allele origin: germline.

Ambry Genetics
Classification: Likely benign for Cardiovascular phenotype. Last evaluated: 2019-03-01. Review status: criteria provided, single submitter. Criteria: Ambry Variant Classification Scheme 2023. Collection method: clinical testing. Allele origin: germline.